The following is an entry in ClinVar:

ClinVar aggregate classification (germline): Uncertain significance. Review status: criteria provided, multiple submitters, no conflicts (2 of 4 stars). 2 submissions from 2 submitters: Uncertain significance (2). Last evaluated 2026-02-10.

Conditions:
RAI1-related disorder. Also called: RAI1-related condition.

gnomAD v4.1: 10 of 1,613,156 alleles (0.00062%); highest among the groups gnomAD compares: South Asian, 0.0099%; no homozygotes.

Submissions (2):

PreventionGenetics, part of Exact Sciences
Classification: Uncertain significance for RAI1-related condition. Last evaluated: 2026-02-10. Review status: criteria provided, single submitter. Criteria: ACMG Guidelines, 2015. Collection method: clinical testing. Allele origin: germline.
Comment: The RAI1 c.3806T>C variant is predicted to result in the amino acid substitution p.Leu1269Pro. To our knowledge, this variant has not been reported in the literature. This variant is reported in 0.0065% of alleles in individuals of South Asian descent in gnomAD. At this time, the clinical significance of this variant is uncertain due to the absence of conclusive functional and genetic evidence.

Labcorp Genetics (formerly Invitae), Labcorp
Classification: Uncertain significance. Last evaluated: 2024-05-26. Review status: criteria provided, single submitter. Criteria: Invitae Variant Classification Sherloc (09022015). Collection method: clinical testing. Allele origin: germline.
Comment: This sequence change replaces leucine, which is neutral and non-polar, with proline, which is neutral and non-polar, at codon 1269 of the RAI1 protein (p.Leu1269Pro). This variant is present in population databases (rs746043068, gnomAD 0.007%). This variant has not been reported in the literature in individuals affected with RAI1-related conditions. Advanced modeling of protein sequence and biophysical properties (such as structural, functional, and spatial information, amino acid conservation, physicochemical variation, residue mobility, and thermodynamic stability) performed at Invitae indicates that this missense variant is not expected to disrupt RAI1 protein function with a negative predictive value of 80%. In summary, the available evidence is currently insufficient to determine the role of this variant in disease. Therefore, it has been classified as a Variant of Uncertain Significance.

NM_030665.4(RAI1):c.3806T>C (p.Leu1269Pro)

Gene: RAI1 (retinoic acid induced 1; plus strand). Cytogenetic location: 17p11.2.
Variant type: single nucleotide variant.
Coding change: c.3806T>C on transcript NM_030665.4 (MANE Select); coding-DNA position 3806, T replaced by C.
Protein change: p.Leu1269Pro; replaces leucine 1269 with proline.
Molecular consequence: missense variant.
Genome position (GRCh38, 1-based): chr17:17,796,754, T>C. VCF-style: chr17-17796754-T-C. GRCh37 (hg19) VCF-style: chr17-17700068-T-C.
Other names: c.3806T>C (NM_030665.3); short protein forms L1269P.
Identifiers: ClinVar variation 3726661 (VCV003726661.3).